The following is an entry in ClinVar:

ClinVar aggregate classification (germline): Likely pathogenic (0 of 4 stars; one submission).

Conditions:
Pyruvate dehydrogenase E1-alpha deficiency (PDHAD). Also called: ATAXIA, INTERMITTENT, WITH PYRUVATE DEHYDROGENASE DEFICIENCY; ATAXIA WITH LACTIC ACIDOSIS I; ATAXIA, INTERMITTENT, WITH ABNORMAL PYRUVATE METABOLISM; Ataxia, intermittent, with pyruvate dehydrogenase, or decarboxylase, deficiency. Identifiers: Orphanet 79243, MedGen C1839413, MONDO:0010717, OMIM 312170.

Submission:

PDHA1 Study Group, University Children’s Hospital, Paracelsus Medical University
Classification: Likely pathogenic for Pyruvate dehydrogenase E1-alpha deficiency. Last evaluated: 2024-10-15. Review status: no assertion criteria provided. Collection method: research. Allele origin: inherited. Affected: yes. Observed: 3 variant alleles.
Comment: The NM_000284.3:c.407C>T (p.Ala136Val) substitution is a missense variant in PDHA1 gene. In total, 3 individuals were diagnosed with PDHA1-related Pyruvate dehydrogenase complex (PDHc) deficiency (MIM #312170). Among them, 2 were confirmed inherited. The variant has been reported in 3 published cases (PMIDs: 15558317, 7981697). Last literature search: July 12, 2024. This variant is absent or extremely rare in population-based cohorts in the Genome Aggregation Database (gnomAD). Individuals harboring this variant presented with clinical features compatible with PDHA1-related PDHc deficiency. In summary, this variant meets criteria to be classified as likely pathogenic (LP) for PDHA1-related PDHc deficiency based on the ACMG/AMP criteria applied: PM1, PM2, PM7, PP3, PP4 (last assessment October 15, 2024).

Literature cited by the submitters: PubMed 15558317; PubMed 7981697; DOI 10.1093/brain/awaf430.

NM_000284.4(PDHA1):c.407C>T (p.Ala136Val)

Gene: PDHA1 (pyruvate dehydrogenase E1 subunit alpha 1; plus strand). Cytogenetic location: Xp22.12.
Variant type: single nucleotide variant.
Coding change: c.407C>T on transcript NM_000284.4 (MANE Select); coding-DNA position 407, C replaced by T.
Protein change: p.Ala136Val; replaces alanine 136 with valine.
Molecular consequence: missense variant.
Genome position (GRCh38, 1-based): chrX:19,351,396, C>T. VCF-style: chrX-19351396-C-T. GRCh37 (hg19) VCF-style: chrX-19369514-C-T.
Other names: c.521C>T, p.Ala174Val (NM_001173454.2); c.428C>T, p.Ala143Val (NM_001173455.2); c.407C>T, p.Ala136Val (NM_001173456.2); short protein forms A136V, A143V, A174V.
Identifiers: ClinVar variation 4070487 (VCV004070487.1).